The following is an entry in ClinVar:

ClinVar aggregate classification (germline): Pathogenic/Likely pathogenic. Review status: criteria provided, multiple submitters, no conflicts (2 of 4 stars). 3 submissions from 3 submitters: Pathogenic (2); Likely pathogenic (1). Last evaluated 2026-06-08.

Conditions:
Hereditary pheochromocytoma and paraganglioma. Also called: Hereditary Paraganglioma-Pheochromocytoma Syndromes; Hereditary paragangliomas and pheochromocytomas; Hereditary pheochromocytoma-paraganglioma. Identifiers: Orphanet 29072, MedGen C4274332, MONDO:0017366.
Hereditary cancer-predisposing syndrome. Also called: Hereditary Cancer Syndrome; Tumor predisposition; Hereditary neoplastic syndrome; Neoplastic Syndromes, Hereditary. Identifiers: Orphanet 140162, MedGen C0027672, MeSH D009386, MONDO:0015356.

Submissions (3):

GeneDx
Classification: Likely pathogenic. Last evaluated: 2026-06-08. Review status: criteria provided, single submitter. Criteria: GeneDx Variant Classification Process June 2021. Collection method: clinical testing. Allele origin: germline.
Comment: Frameshift variant predicted to result in protein truncation or nonsense mediated decay in a gene for which loss of function is a known mechanism of disease; Not observed at significant frequency in large population cohorts (gnomAD); Has not been previously published as pathogenic or benign to our knowledge

Ambry Genetics
Classification: Pathogenic for Hereditary cancer-predisposing syndrome. Last evaluated: 2026-01-20. Review status: criteria provided, single submitter. Criteria: Ambry Variant Classification Scheme 2023. Collection method: clinical testing. Allele origin: germline.
Comment: The c.218delG variant, located in coding exon 1 of the TMEM127 gene, results from a deletion of one nucleotide at nucleotide position 218, causing a translational frameshift with a predicted alternate stop codon (p.G73Afs*8). This alteration is expected to result in loss of function by premature protein truncation or nonsense-mediated mRNA decay. As such, this alteration is interpreted as a disease-causing mutation.

Labcorp Genetics (formerly Invitae), Labcorp
Classification: Pathogenic for Hereditary pheochromocytoma and paraganglioma. Last evaluated: 2021-06-12. Review status: criteria provided, single submitter. Criteria: Invitae Variant Classification Sherloc (09022015). Collection method: clinical testing. Allele origin: germline.
Comment: For these reasons, this variant has been classified as Pathogenic. This variant has not been reported in the literature in individuals with TMEM127-related conditions. ClinVar contains an entry for this variant (Variation ID: 1076786). This variant is not present in population databases (ExAC no frequency). This sequence change creates a premature translational stop signal (p.Gly73Alafs*8) in the TMEM127 gene. It is expected to result in an absent or disrupted protein product. Loss-of-function variants in TMEM127 are known to be pathogenic (PMID: 20154675, 21156949).

Literature cited by the submitters: PubMed 20154675 (cited by Labcorp Genetics (formerly Invitae), Labcorp); PubMed 21156949 (cited by Labcorp Genetics (formerly Invitae), Labcorp).

NM_017849.4(TMEM127):c.218del (p.Gly73fs)

Gene: TMEM127 (transmembrane protein 127; minus strand). Cytogenetic location: 2q11.2.
Variant type: Deletion.
Coding change: c.218del on transcript NM_017849.4 (MANE Select); coding-DNA position 218, one base deleted (G; older notation c.218delG).
Protein change: p.Gly73fs; shifts the reading frame from glycine 73.
Molecular consequence: frameshift variant.
Genome position (GRCh38, 1-based): chr2:96,265,164, C deleted on the plus strand (G on the coding strand, the reverse complement: TMEM127 is on the minus strand); the first of 3 consecutive C bases (chr2:96,265,164-96,265,166); deleting any one gives the same sequence. VCF-style (leftmost placement, unchanged base first): chr2-96265163-GC-G. GRCh37 (hg19) VCF-style: chr2-96930901-GC-G.
Other names: c.218del, p.Gly73fs (NM_001193304.3); c.218del (NM_017849.3); c.218delG (NM_017849.3); short protein forms G73fs.
Identifiers: ClinVar variation 1076786 (VCV001076786.10), dbSNP rs2104307293, ClinGen allele CA2499216307.